The following is an entry in ClinVar:

NM_000628.5(IL10RB):c.1A>C (p.Met1Leu)

Genes: IL10RB (interleukin 10 receptor subunit beta; plus strand), IFNAR2-IL10RB (IFNAR2-IL10RB readthrough; plus strand), LOC130066558 (ATAC-STARR-seq lymphoblastoid silent region 13254; plus strand). Cytogenetic location: 21q22.11.
Variant type: single nucleotide variant.
Coding change: c.1A>C on transcript NM_000628.5 (MANE Select); coding-DNA position 1, A replaced by C.
Protein change: p.Met1Leu; changes the start codon (methionine 1).
Molecular consequence: missense variant, initiator codon variant.
Genome position (GRCh38, 1-based): chr21:33,266,466, A>C. VCF-style: chr21-33266466-A-C. GRCh37 (hg19) VCF-style: chr21-34638771-A-C.
Other names: short protein forms M1L.
Identifiers: ClinVar variation 1467066 (VCV001467066.9), dbSNP rs1266638189, ClinGen allele CA410106707.

ClinVar aggregate classification (germline): Uncertain significance (1 of 4 stars; one submission).

Conditions:
Inflammatory bowel disease 25. Also called: Inflammatory bowel disease 25, early onset, autosomal recessive. Identifiers: Orphanet 238569, MedGen C2675508, MONDO:0012941, OMIM 612567.

Submission:

Labcorp Genetics (formerly Invitae), Labcorp
Classification: Uncertain significance for Inflammatory bowel disease 25. Last evaluated: 2021-04-08. Review status: criteria provided, single submitter. Criteria: Invitae Variant Classification Sherloc (09022015). Collection method: clinical testing. Allele origin: germline.
Comment: In summary, the available evidence is currently insufficient to determine the role of this variant in disease. Therefore, it has been classified as a Variant of Uncertain Significance. Experimental studies and prediction algorithms are not available or were not evaluated, and the functional significance of this variant is currently unknown. This variant has not been reported in the literature in individuals with IL10RB-related conditions. This variant is not present in population databases (ExAC no frequency). This sequence change affects the initiator methionine of the IL10RB mRNA. The next in-frame methionine is located at codon 20.